The following is an entry in ClinVar:

ClinVar aggregate classification (germline): Uncertain significance (1 of 4 stars; one submission).

Conditions:
Progressive familial heart block type IB (PFHB1B). Identifiers: Orphanet 871, MedGen C1970298, MONDO:0011474, OMIM 604559.

gnomAD v4.1: 7 of 1,614,086 alleles (0.00043%); highest among the groups gnomAD compares: Non-Finnish European, 0.00059%; no homozygotes.

Submission:

Labcorp Genetics (formerly Invitae), Labcorp
Classification: Uncertain significance for Progressive familial heart block type IB. Last evaluated: 2025-09-03. Review status: criteria provided, single submitter. Criteria: Invitae Variant Classification Sherloc (09022015). Collection method: clinical testing. Allele origin: germline.
Comment: This sequence change replaces aspartic acid, which is acidic and polar, with glutamic acid, which is acidic and polar, at codon 958 of the TRPM4 protein (p.Asp958Glu). This variant is not present in population databases (gnomAD no frequency). This variant has not been reported in the literature in individuals affected with TRPM4-related conditions. An algorithm developed to predict the effect of missense changes on protein structure and function outputs the following: PolyPhen-2: "Benign". The glutamic acid amino acid residue is found in multiple mammalian species, which suggests that this missense change does not adversely affect protein function. In summary, the available evidence is currently insufficient to determine the role of this variant in disease. Therefore, it has been classified as a Variant of Uncertain Significance.

NM_017636.4(TRPM4):c.2874C>A (p.Asp958Glu)

Gene: TRPM4 (transient receptor potential cation channel subfamily M member 4; plus strand). Cytogenetic location: 19q13.33.
Variant type: single nucleotide variant.
Coding change: c.2874C>A on transcript NM_017636.4 (MANE Select); coding-DNA position 2874, C replaced by A.
Protein change: p.Asp958Glu; replaces aspartic acid 958 with glutamic acid.
Molecular consequence: missense variant.
Genome position (GRCh38, 1-based): chr19:49,200,706, C>A. VCF-style: chr19-49200706-C-A. GRCh37 (hg19) VCF-style: chr19-49703963-C-A.
Other names: c.2439C>A, p.Asp813Glu (NM_001195227.2); c.2529C>A, p.Asp843Glu (NM_001321281.2); c.1266C>A, p.Asp422Glu (NM_001321282.2); c.2352C>A, p.Asp784Glu (NM_001321283.2); c.1812C>A, p.Asp604Glu (NM_001321285.2); short protein forms D958E, D604E, D784E, D422E, D813E, D843E.
Identifiers: ClinVar variation 4739764 (VCV004739764.1).